The following is an entry in ClinVar:

NM_005120.3(MED12):c.5578C>T (p.Pro1860Ser)

Gene: MED12 (mediator complex subunit 12; plus strand). Cytogenetic location: Xq13.1.
Variant type: single nucleotide variant.
Coding change: c.5578C>T on transcript NM_005120.3 (MANE Select); coding-DNA position 5578, C replaced by T.
Protein change: p.Pro1860Ser; replaces proline 1860 with serine.
Molecular consequence: missense variant.
Genome position (GRCh38, 1-based): chrX:71,137,213, C>T. VCF-style: chrX-71137213-C-T. GRCh37 (hg19) VCF-style: chrX-70357063-C-T.
Other names: short protein forms P1860S.
Identifiers: ClinVar variation 975295 (VCV000975295.3), dbSNP rs2092334822, ClinGen allele CA413536577.

ClinVar aggregate classification (germline): Uncertain significance. Review status: criteria provided, single submitter (1 of 4 stars). 2 submissions from 2 submitters: Uncertain significance (1). 1 of the submissions does not count toward it.

Conditions:
Blepharophimosis - intellectual disability syndrome, MKB type. Also called: BLEPHAROPHIMOSIS-MENTAL RETARDATION SYNDROME, MAAT-KIEVIT-BRUNNER TYPE; Ohdo syndrome, X-linked; X-Linked Ohdo Syndrome (XLOS). Identifiers: Orphanet 293707, MedGen C3698541, MONDO:0010477, OMIM 300895.
X-linked intellectual disability with marfanoid habitus. Also called: X-linked mental retardation with marfanoid habitus syndrome; INTELLECTUAL DEVELOPMENTAL DISORDER, X-LINKED, SYNDROMIC, LUJAN-FRYNS TYPE; Lujan Syndrome (LS); Lujan Syndrome. Identifiers: Orphanet 776, MedGen C0796022, MONDO:0010655, OMIM 309520.
FG syndrome 1 (OKS). Also called: OPITZ-KAVEGGIA SYNDROME; KELLER SYNDROME; MENTAL RETARDATION, LARGE HEAD, IMPERFORATE ANUS, CONGENITAL HYPOTONIA, AND PARTIAL AGENESIS OF CORPUS CALLOSUM; FG Syndrome Type 1 (FGS1). Identifiers: Orphanet 93932, MedGen C5399762, MONDO:0010590, OMIM 305450.
Cholestasis-pigmentary retinopathy-cleft palate syndrome (HDKR). Also called: Hardikar Syndrome (HS). Identifiers: Orphanet 1415, MedGen C0795969, MeSH C535632, MONDO:0012997, OMIM 301068.

Submissions (2):

Juno Genomics, Hangzhou Juno Genomics, Inc
Classification: Uncertain significance for Cholestasis-pigmentary retinopathy-cleft palate syndrome; X-linked intellectual disability with marfanoid habitus; Blepharophimosis - intellectual disability syndrome, MKB type; FG syndrome 1. Review status: criteria provided, single submitter. Criteria: ACMG Guidelines, 2015. Collection method: clinical testing. Allele origin: germline.
Comment: Absent from controls (or at extremely low frequency if recessive) in Genome Aggregation Database.;Multiple lines of computational evidence suggest no impact on gene or gene product.

Centre de Biologie Pathologie Génétique, Centre Hospitalier Universitaire de Lille
Classification: Likely pathogenic for Ohdo syndrome, X-linked. Last evaluated: 2019-01-01. Review status: no assertion criteria provided. Collection method: clinical testing. Allele origin: unknown. Affected: yes. Not counted in ClinVar's aggregate classification.